The following is an entry in ClinVar:

ClinVar aggregate classification (germline): Uncertain significance. Review status: criteria provided, multiple submitters, no conflicts (2 of 4 stars). 3 submissions from 3 submitters: Uncertain significance (2). 1 of the submissions does not count toward it. Last evaluated 2025-12-05.

Conditions:
Arrhythmogenic right ventricular dysplasia 13. Also called: Arrhythmogenic right ventricular dysplasia, familial, 13; ARRHYTHMOGENIC RIGHT VENTRICULAR CARDIOMYOPATHY 13. Identifiers: MedGen C3810138, MONDO:0000908, OMIM 615616.

Allele frequency attached by ClinVar (database versions not stated): TOPMed below 0.00001; ExAC 0.00002.
gnomAD v4.1: 7 of 1,613,784 alleles (0.00043%); highest among the groups gnomAD compares: South Asian, 0.0022%; no homozygotes.

Submissions (3):

Dasa
Classification: Uncertain significance. Last evaluated: 2025-12-05. Review status: criteria provided, single submitter. Criteria: DASA Assertion Criteria. Collection method: clinical testing. Allele origin: germline.
Comment: NM_013266.4(CTNNA3):c.398C>T (p.Thr133Met) is a missense variant that results in the substitution of threonine with methionine. This variant is rare in population databases. The currently available literature and clinical evidence are not sufficient to establish a definitive association between this variant and the reported condition. Therefore, this variant is classified as a variant of uncertain significance.

Labcorp Genetics (formerly Invitae), Labcorp
Classification: Uncertain significance for Arrhythmogenic right ventricular dysplasia 13. Last evaluated: 2022-07-05. Review status: criteria provided, single submitter. Criteria: Invitae Variant Classification Sherloc (09022015). Collection method: clinical testing. Allele origin: germline.
Comment: In summary, the available evidence is currently insufficient to determine the role of this variant in disease. Therefore, it has been classified as a Variant of Uncertain Significance. Algorithms developed to predict the effect of missense changes on protein structure and function are either unavailable or do not agree on the potential impact of this missense change (SIFT: "Deleterious"; PolyPhen-2: "Probably Damaging"; Align-GVGD: "Class C0"). ClinVar contains an entry for this variant (Variation ID: 568313). This variant has not been reported in the literature in individuals affected with CTNNA3-related conditions. This variant is present in population databases (rs763257801, gnomAD 0.01%). This sequence change replaces threonine, which is neutral and polar, with methionine, which is neutral and non-polar, at codon 133 of the CTNNA3 protein (p.Thr133Met).

Clinical Genetics Laboratory, University Hospital Schleswig-Holstein
Classification: Uncertain significance for Arrhythmogenic right ventricular dysplasia 13. Last evaluated: 2022-05-02. Review status: no assertion criteria provided. Collection method: clinical testing. Allele origin: germline. Affected: yes. Not counted in ClinVar's aggregate classification.

NM_013266.4(CTNNA3):c.398C>T (p.Thr133Met)

Gene: CTNNA3 (catenin alpha 3; minus strand). Cytogenetic location: 10q21.3.
Variant type: single nucleotide variant.
Coding change: c.398C>T on transcript NM_013266.4 (MANE Select); coding-DNA position 398, C replaced by T.
Protein change: p.Thr133Met; replaces threonine 133 with methionine.
Molecular consequence: missense variant.
Genome position (GRCh38, 1-based): chr10:67,539,564, G>A on the plus strand (C>T on the coding strand, the complement: CTNNA3 is on the minus strand). VCF-style: chr10-67539564-G-A. GRCh37 (hg19) VCF-style: chr10-69299322-G-A.
Other names: c.398C>T, p.Thr133Met (NM_001127384.3); c.434C>T, p.Thr145Met (NM_001291133.2); short protein forms T133M, T145M.
Identifiers: ClinVar variation 568313 (VCV000568313.12), dbSNP rs763257801, ClinGen allele CA5520633.